The following is an entry in ClinVar:

NM_004385.5(VCAN):c.9738A>C (p.Gln3246His)

Gene: VCAN (versican; plus strand). Cytogenetic location: 5q14.3.
Variant type: single nucleotide variant.
Coding change: c.9738A>C on transcript NM_004385.5 (MANE Select); coding-DNA position 9738, A replaced by C.
Protein change: p.Gln3246His; replaces glutamine 3246 with histidine.
Molecular consequence: missense variant.
Genome position (GRCh38, 1-based): chr5:83,572,418, A>C. VCF-style: chr5-83572418-A-C. GRCh37 (hg19) VCF-style: chr5-82868237-A-C.
Other names: c.1515A>C, p.Gln505His (NM_001126336.3); c.6777A>C, p.Gln2259His (NM_001164097.2); c.4476A>C, p.Gln1492His (NM_001164098.2); short protein forms Q1492H, Q3246H, Q505H, Q2259H.
Identifiers: ClinVar variation 1968580 (VCV001968580.5), dbSNP rs1463081022, ClinGen allele CA360298529.
Genomic context (GRCh38, chr5:83,572,418, plus strand): 5'-TTGCTCTTACGTTACTTTTTGACTAGCAAGTAGTTACCTTCTCCCTCCATTTTTACAGCA[A>C]TACGAGAATTGGAGACCCAACCAGCCAGACAGCTTCTTTTCTGCTGGAGAAGACTGTGTT-3'
Protein context (NP_004376.2, residues 3236-3256): DFRWTDGSTL[Gln3246His]YENWRPNQPD

ClinVar aggregate classification (germline): Uncertain significance (1 of 4 stars; one submission).

Allele frequency attached by ClinVar (database versions not stated): TOPMed 0.00001.

Submission:

Labcorp Genetics (formerly Invitae), Labcorp
Classification: Uncertain significance. Last evaluated: 2022-06-14. Review status: criteria provided, single submitter. Criteria: Invitae Variant Classification Sherloc (09022015). Collection method: clinical testing. Allele origin: germline.
Comment: This variant is not present in population databases (gnomAD no frequency). This sequence change replaces glutamine, which is neutral and polar, with histidine, which is basic and polar, at codon 3246 of the VCAN protein (p.Gln3246His). This variant has not been reported in the literature in individuals affected with VCAN-related conditions. In summary, the available evidence is currently insufficient to determine the role of this variant in disease. Therefore, it has been classified as a Variant of Uncertain Significance. Algorithms developed to predict the effect of missense changes on protein structure and function are either unavailable or do not agree on the potential impact of this missense change (SIFT: "Deleterious"; PolyPhen-2: "Probably Damaging"; Align-GVGD: "Class C0").